The following is an entry in ClinVar:

NM_001267550.2(TTN):c.59294A>T (p.Glu19765Val)

Genes: TTN-AS1 (TTN antisense RNA 1; plus strand), TTN (titin; minus strand). Cytogenetic location: 2q31.2.
Variant type: single nucleotide variant.
Coding change: c.59294A>T on transcript NM_001267550.2 (MANE Select); coding-DNA position 59294, A replaced by T.
Protein change: p.Glu19765Val; replaces glutamic acid 19765 with valine.
Molecular consequence: missense variant.
Genome position (GRCh38, 1-based): chr2:178,592,825, T>A on the plus strand (A>T on the coding strand, the complement: TTN is on the minus strand). VCF-style: chr2-178592825-T-A. GRCh37 (hg19) VCF-style: chr2-179457552-T-A.
Other names: c.59294A>T (NM_001267550.1); c.54371A>T, p.Glu18124Val (NM_001256850.1); c.32099A>T, p.Glu10700Val (NM_003319.4); c.51590A>T, p.Glu17197Val (NM_133378.4); c.32474A>T, p.Glu10825Val (NM_133432.3); c.32675A>T, p.Glu10892Val (NM_133437.4); short protein forms E19765V, E17197V, E10700V, E10892V, E18124V, E10825V.
Identifiers: ClinVar variation 467324 (VCV000467324.8), dbSNP rs766141647, ClinGen allele CA1992691.

ClinVar aggregate classification (germline): Conflicting classifications of pathogenicity. Review status: criteria provided, conflicting classifications (1 of 4 stars). 4 submissions from 4 submitters: Uncertain significance (3); Likely benign (1). Last evaluated 2024-12-20.

Conditions:
Autosomal recessive limb-girdle muscular dystrophy type 2J (LGMDR10). Also called: MUSCULAR DYSTROPHY, LIMB-GIRDLE, AUTOSOMAL RECESSIVE 10; Limb-girdle muscular dystrophy, type 2J. Identifiers: Orphanet 140922, MedGen C1837342, MONDO:0012127, OMIM 608807.
Dilated cardiomyopathy 1G (CMD1G). Identifiers: Orphanet 154, MedGen C1858763, MONDO:0011400, OMIM 604145.

Allele frequency attached by ClinVar (database versions not stated): gnomAD exomes 0.00001; ExAC 0.00003.
gnomAD v4.1: 12 of 1,613,538 alleles (0.00074%); highest among the groups gnomAD compares: South Asian, 0.0077%; no homozygotes.

Submissions (4):

GeneDx
Classification: Uncertain significance. Last evaluated: 2024-12-20. Review status: criteria provided, single submitter. Criteria: GeneDx Variant Classification Process June 2021. Collection method: clinical testing. Allele origin: germline. Affected: yes.
Comment: Not observed at significant frequency in large population cohorts (gnomAD); Missense variant in a gene in which most reported pathogenic variants are truncating/loss of function; Has not been previously published as pathogenic or benign to our knowledge

Revvity Omics, Revvity
Classification: Uncertain significance. Last evaluated: 2024-09-12. Review status: criteria provided, single submitter. Criteria: ACMG Guidelines, 2015. Collection method: clinical testing. Allele origin: germline.

Blueprint Genetics
Classification: Likely benign. Last evaluated: 2023-04-25. Review status: criteria provided, single submitter. Criteria: ACMG Guidelines, 2015. Collection method: clinical testing. Allele origin: germline.

Labcorp Genetics (formerly Invitae), Labcorp
Classification: Uncertain significance for Dilated cardiomyopathy 1G; Autosomal recessive limb-girdle muscular dystrophy type 2J. Last evaluated: 2017-04-04. Review status: criteria provided, single submitter. Criteria: Invitae Variant Classification Sherloc (09022015). Collection method: clinical testing. Allele origin: germline.